The following is an entry in ClinVar:

NM_001377334.1(PIK3C2B):c.4280+8C>T

Gene: PIK3C2B (phosphatidylinositol-4-phosphate 3-kinase catalytic subunit type 2 beta; minus strand). Cytogenetic location: 1q32.1.
Variant type: single nucleotide variant.
Coding change: c.4280+8C>T on transcript NM_001377334.1 (MANE Select); 8 bases into the intron after coding-DNA position 4280, C replaced by T.
Molecular consequence: intron variant.
Genome position (GRCh38, 1-based): chr1:204,431,661, G>A on the plus strand (C>T on the coding strand, the complement: PIK3C2B is on the minus strand). VCF-style: chr1-204431661-G-A. GRCh37 (hg19) VCF-style: chr1-204400789-G-A.
Other names: c.4196+8C>T (NM_001377335.1); c.4280+8C>T (NM_002646.4).
Identifiers: ClinVar variation 3356519 (VCV003356519.1).
Genomic context (GRCh38, chr1:204,431,661, plus strand): 5'-ACCTCCCATCCCGTATCCTTTCCCCCTCCCCGACATCCCTCTGTGCAGATAGTAAAGGGG[G>A]CAGCTACCTGGGCAAGTGGGAAGAAGGGAAGAGCAGCCGCAACTTATTGTGTAATTCCTG-3'

ClinVar aggregate classification (germline): Likely benign (0 of 4 stars; one submission).

Conditions:
PIK3C2B-related disorder. Also called: PIK3C2B-related condition.

gnomAD v4.1: 59 of 1,613,780 alleles (0.0037%); highest among the groups gnomAD compares: Non-Finnish European, 0.0044%; no homozygotes.

Submission:

PreventionGenetics, part of Exact Sciences
Classification: Likely benign for PIK3C2B-related condition. Last evaluated: 2024-05-17. Review status: no assertion criteria provided. Collection method: clinical testing. Allele origin: germline.
Comment: This variant is classified as likely benign based on ACMG/AMP sequence variant interpretation guidelines (Richards et al. 2015 PMID: 25741868, with internal and published modifications).